The following is an entry in ClinVar:

ClinVar aggregate classification (germline): Uncertain significance (1 of 4 stars; one submission).

Conditions:
Sulfite oxidase deficiency. Also called: Isolated sulfite oxidase deficiency. Identifiers: Orphanet 833, Orphanet 99731, MedGen C0268624, MONDO:0010089, OMIM 272300, HP:0003643.

Allele frequency attached by ClinVar (database versions not stated): gnomAD exomes below 0.00001 and 0.00001; ExAC 0.00002; gnomAD 0.00002 and 0.00003; TOPMed 0.00003; ESP Exome Variant Server 0.00015.
gnomAD v4.1: 5 of 1,613,598 alleles (0.00031%); highest among the groups gnomAD compares: African/African-American, 0.0053%; no homozygotes.

Submission:

Labcorp Genetics (formerly Invitae), Labcorp
Classification: Uncertain significance for Sulfite oxidase deficiency. Last evaluated: 2022-07-12. Review status: criteria provided, single submitter. Criteria: Invitae Variant Classification Sherloc (09022015). Collection method: clinical testing. Allele origin: germline.
Comment: This sequence change replaces glycine, which is neutral and non-polar, with arginine, which is basic and polar, at codon 99 of the SUOX protein (p.Gly99Arg). This variant is present in population databases (rs148116515, gnomAD 0.01%). This variant has not been reported in the literature in individuals affected with SUOX-related conditions. ClinVar contains an entry for this variant (Variation ID: 1427286). Algorithms developed to predict the effect of missense changes on protein structure and function output the following: SIFT: "Tolerated"; PolyPhen-2: "Benign"; Align-GVGD: "Class C0". The arginine amino acid residue is found in multiple mammalian species, which suggests that this missense change does not adversely affect protein function. In summary, the available evidence is currently insufficient to determine the role of this variant in disease. Therefore, it has been classified as a Variant of Uncertain Significance.

NM_001032386.2(SUOX):c.295G>A (p.Gly99Arg)

Gene: SUOX (sulfite oxidase; plus strand). Cytogenetic location: 12q13.2.
Variant type: single nucleotide variant.
Coding change: c.295G>A on transcript NM_001032386.2 (MANE Select); coding-DNA position 295, G replaced by A.
Protein change: p.Gly99Arg; replaces glycine 99 with arginine.
Molecular consequence: missense variant.
Genome position (GRCh38, 1-based): chr12:56,003,684, G>A. VCF-style: chr12-56003684-G-A. GRCh37 (hg19) VCF-style: chr12-56397468-G-A.
Other names: c.295G>A, p.Gly99Arg (NM_000456.3, NM_001032387.2); short protein forms G99R.
Identifiers: ClinVar variation 1427286 (VCV001427286.4), dbSNP rs148116515, ClinGen allele CA6620952.
Genomic context (GRCh38, chr12:56,003,684, plus strand): 5'-CAGGAGTCAACACACATATACACTAAGGAGGAAGTGAGTTCCCACACCAGCCCTGAGACT[G>A]GGATCTGGGTGACTCTGGGCTCTGAGGTCTTTGATGTCACAGAATTTGTGGACCTACATC-3'
Protein context (NP_001027558.1, residues 89-109): EVSSHTSPET[Gly99Arg]IWVTLGSEVF